The following is an entry in ClinVar:

NM_001363.5(DKC1):c.1471G>A (p.Asp491Asn)

Gene: DKC1 (dyskerin pseudouridine synthase 1; plus strand). Cytogenetic location: Xq28.
Variant type: single nucleotide variant.
Coding change: c.1471G>A on transcript NM_001363.5 (MANE Select); coding-DNA position 1471, G replaced by A.
Protein change: p.Asp491Asn; replaces aspartic acid 491 with asparagine.
Molecular consequence: missense variant. On other transcripts: 3 prime UTR variant (1), non-coding transcript variant (3).
Genome position (GRCh38, 1-based): chrX:154,776,319, G>A. VCF-style: chrX-154776319-G-A. GRCh37 (hg19) VCF-style: chrX-154004594-G-A.
Other names: c.1456G>A, p.Asp486Asn (NM_001142463.3); c.*697G>A (NM_001288747.2); c.1471G>A (NM_001363.3, NM_001363.4); short protein forms D486N, D491N.
Identifiers: ClinVar variation 1010558 (VCV001010558.8), dbSNP rs782598355, ClinGen allele CA10567282.

ClinVar aggregate classification (germline): Conflicting classifications of pathogenicity. Review status: criteria provided, conflicting classifications (1 of 4 stars). 3 submissions from 3 submitters: Uncertain significance (2); Likely benign (1). Last evaluated 2025-08-10.

Conditions:
Dyskeratosis congenita. Identifiers: Orphanet 1775, MedGen C0265965, MONDO:0015780.
DKC1-related disorder. Also called: DKC1-related condition. Identifiers: MedGen CN294808, MONDO:0100152.

Allele frequency attached by ClinVar (database versions not stated): TOPMed 0.00001; gnomAD 0.00003; gnomAD exomes 0.00004 and 0.00006; ExAC 0.00009.
gnomAD v4.1: 69 of 1,188,376 alleles (0.0058%); highest among the groups gnomAD compares: Non-Finnish European, 0.0076%; no homozygotes.

Submissions (3):

Labcorp Genetics (formerly Invitae), Labcorp
Classification: Uncertain significance for Dyskeratosis congenita. Last evaluated: 2025-08-10. Review status: criteria provided, single submitter. Criteria: Invitae Variant Classification Sherloc (09022015). Collection method: clinical testing. Allele origin: germline.
Comment: This sequence change replaces aspartic acid, which is acidic and polar, with asparagine, which is neutral and polar, at codon 491 of the DKC1 protein (p.Asp491Asn). This variant is present in population databases (rs782598355, gnomAD 0.01%). This variant has not been reported in the literature in individuals affected with DKC1-related conditions. ClinVar contains an entry for this variant (Variation ID: 1010558). Invitae Evidence Modeling of protein sequence and biophysical properties (such as structural, functional, and spatial information, amino acid conservation, physicochemical variation, residue mobility, and thermodynamic stability) indicates that this missense variant is not expected to disrupt DKC1 protein function with a negative predictive value of 80%. In summary, the available evidence is currently insufficient to determine the role of this variant in disease. Therefore, it has been classified as a Variant of Uncertain Significance.

Ambry Genetics
Classification: Likely benign for Dyskeratosis congenita. Last evaluated: 2024-05-21. Review status: criteria provided, single submitter. Criteria: Ambry Variant Classification Scheme 2023. Collection method: clinical testing. Allele origin: germline.

PreventionGenetics, part of Exact Sciences
Classification: Uncertain significance for DKC1-related condition. Last evaluated: 2023-05-23. Review status: criteria provided, single submitter. Criteria: ACMG Guidelines, 2015. Collection method: clinical testing. Allele origin: germline.
Comment: The DKC1 c.1471G>A variant is predicted to result in the amino acid substitution p.Asp491Asn. To our knowledge, this variant has not been reported in the literature. This variant is reported in 0.010% of alleles in individuals of European (Non-Finnish) descent in gnomAD. At this time, the clinical significance of this variant is uncertain due to the absence of conclusive functional and genetic evidence.